The following is an entry in ClinVar:

NM_001127511.3(APC):c.165+15A>C

Gene: APC (APC regulator of Wnt signaling pathway; plus strand). Cytogenetic location: 5q22.2.
Variant type: single nucleotide variant.
Coding change: c.165+15A>C on transcript NM_001127511.3; 15 bases into the intron after coding-DNA position 165, A replaced by C.
Molecular consequence: intron variant.
Genome position (GRCh38, 1-based): chr5:112,707,897, A>C. VCF-style: chr5-112707897-A-C. GRCh37 (hg19) VCF-style: chr5-112043594-A-C.
Other names: c.-1054+15A>C (NM_001407470.1, NM_001407472.1); c.-19+15A>C (NM_001407447.1, NM_001354895.2, NM_001407456.1 and 3 more transcripts); c.165+15A>C (NM_001407446.1, NM_001354897.2, NM_001354902.2); c.-19+248A>C (NM_001407448.1, NM_001407450.1, NM_001407457.1 and 1 more transcripts); c.-43+248A>C (NM_001407453.1).
Identifiers: ClinVar variation 2812427 (VCV002812427.3), dbSNP rs1750619444, ClinGen allele CA2674864285.

ClinVar aggregate classification (germline): Uncertain significance (1 of 4 stars; one submission).

Conditions:
Familial adenomatous polyposis 1 (FAP1). Also called: FAMILIAL ADENOMATOUS POLYPOSIS 1, ATTENUATED; POLYPOSIS, ADENOMATOUS INTESTINAL. Identifiers: MedGen C2713442, MONDO:0021056, OMIM 175100. Disease mechanism: loss of function.

Submission:

Labcorp Genetics (formerly Invitae), Labcorp
Classification: Uncertain significance for Familial adenomatous polyposis 1. Last evaluated: 2022-11-06. Review status: criteria provided, single submitter. Criteria: Invitae Variant Classification Sherloc (09022015). Collection method: clinical testing. Allele origin: germline.
Comment: This variant occurs in a non-coding region of the APC gene. It does not change the encoded amino acid sequence of the APC protein. This variant is not present in population databases (gnomAD no frequency). This variant has not been reported in the literature in individuals affected with APC-related conditions. Experimental studies and prediction algorithms are not available or were not evaluated, and the functional significance of this variant is currently unknown. In summary, the available evidence is currently insufficient to determine the role of this variant in disease. Therefore, it has been classified as a Variant of Uncertain Significance.